The following is an entry in ClinVar:

ClinVar aggregate classification (germline): Uncertain significance (1 of 4 stars; one submission).

Allele frequency attached by ClinVar (database versions not stated): gnomAD 0.00001; gnomAD exomes 0.00001 and 0.00002; ExAC 0.00002.
gnomAD v4.1: 15 of 1,613,158 alleles (0.00093%); highest among the groups gnomAD compares: Admixed American, 0.0083%; no homozygotes.

Submission:

GeneDx
Classification: Uncertain significance. Last evaluated: 2020-01-16. Review status: criteria provided, single submitter. Criteria: GeneDx Variant Classification Process June 2021. Collection method: clinical testing. Allele origin: germline. Affected: yes.
Comment: In silico analysis, which includes splice predictors and evolutionary conservation, supports that this variant does not alter protein structure/function; Has not been previously published as pathogenic or benign to our knowledge

NM_001854.4(COL11A1):c.898-276A>C

Gene: COL11A1 (collagen type XI alpha 1 chain; minus strand). Cytogenetic location: 1p21.1.
Variant type: single nucleotide variant.
Coding change: c.898-276A>C on transcript NM_001854.4 (MANE Select); 276 bases into the intron before coding-DNA position 898, A replaced by C.
Molecular consequence: intron variant. On other transcripts: missense variant (1).
Genome position (GRCh38, 1-based): chr1:103,025,889, T>G on the plus strand (A>C on the coding strand, the complement: COL11A1 is on the minus strand). VCF-style: chr1-103025889-T-G. GRCh37 (hg19) VCF-style: chr1-103491445-T-G.
Other names: c.844A>C, p.Lys282Gln (NM_080629.3); c.781-276A>C (NM_001190709.2); c.897+327A>C (NM_080630.4); short protein forms K282Q.
Identifiers: ClinVar variation 1312218 (VCV001312218.2), dbSNP rs779058882, ClinGen allele CA975241.
Genomic context (GRCh38, chr1:103,025,889, plus strand): 5'-CTTGATAACTTTTCTTCTTCTTGGATGAAAATTTTTCAGATTTGGGGGGTGTAAACTTTT[T>G]GGATTTTTCCTTTGATTTAGTAGCCACTGTCCTCATCTTCTTTTTGAAATTGGATTTCTT-3'